The following is an entry in ClinVar:

NM_000144.5(FXN):c.531C>T (p.His177=)

Gene: FXN (frataxin; plus strand). Cytogenetic location: 9q21.11.
Variant type: single nucleotide variant.
Coding change: c.531C>T on transcript NM_000144.5 (MANE Select); coding-DNA position 531, C replaced by T.
Protein change: p.His177=; no amino-acid change (histidine 177 retained).
Molecular consequence: synonymous variant. On other transcripts: missense variant (1).
Genome position (GRCh38, 1-based): chr9:69,072,660, C>T. VCF-style: chr9-69072660-C-T. GRCh37 (hg19) VCF-style: chr9-71687576-C-T.
Other names: c.539C>T, p.Thr180Met (NM_181425.3); short protein forms T180M.
Identifiers: ClinVar variation 3038546 (VCV003038546.2), dbSNP rs769666460, ClinGen allele CA5072806.

ClinVar aggregate classification (germline): Likely benign (0 of 4 stars; one submission).

Conditions:
FXN-related disorder. Also called: FXN-related condition.

Allele frequency attached by ClinVar (database versions not stated): ExAC 0.00001; gnomAD 0.00001; gnomAD exomes 0.00001; TOPMed 0.00002.
gnomAD v4.1: 14 of 1,614,050 alleles (0.00087%); highest among the groups gnomAD compares: Admixed American, 0.0083%; no homozygotes.

Submission:

PreventionGenetics, part of Exact Sciences
Classification: Likely benign for FXN-related condition. Last evaluated: 2019-05-24. Review status: no assertion criteria provided. Collection method: clinical testing. Allele origin: germline.
Comment: This variant is classified as likely benign based on ACMG/AMP sequence variant interpretation guidelines (Richards et al. 2015 PMID: 25741868, with internal and published modifications).